The following is an entry in ClinVar:

NM_015346.4(ZFYVE26):c.219_220del (p.Arg74fs)

Gene: ZFYVE26 (zinc finger FYVE-type containing 26; minus strand). Cytogenetic location: 14q24.1.
Variant type: Deletion.
Coding change: c.219_220del on transcript NM_015346.4 (MANE Select); coding-DNA positions 219 to 220, 2 bases deleted (AA; older notation c.219_220delAA).
Protein change: p.Arg74fs; shifts the reading frame from arginine 74.
Molecular consequence: frameshift variant.
Genome position (GRCh38, 1-based): chr14:67,814,039-67,814,040, TT deleted on the plus strand (AA on the coding strand, the reverse complement: ZFYVE26 is on the minus strand); deleting any 2 consecutive bases within chr14:67,814,039-67,814,041 gives the same sequence; the c. name uses the placement nearest the transcript's 3' end. VCF-style (leftmost placement, unchanged base first): chr14-67814038-CTT-C. GRCh37 (hg19) VCF-style: chr14-68280755-CTT-C.
Other names: short protein forms R74fs.
Identifiers: ClinVar variation 5013122 (VCV005013122.1).

ClinVar aggregate classification (germline): Pathogenic (1 of 4 stars; one submission).

Conditions:
Hereditary spastic paraplegia 15 (SPG15). Also called: SPASTIC PARAPLEGIA 15, AUTOSOMAL RECESSIVE; KJELLIN SYNDROME; SPASTIC PARAPLEGIA AND RETINAL DEGENERATION. Identifiers: Orphanet 100996, MedGen C1849128, MONDO:0010044, OMIM 270700.

Submission:

Myriad Genetics, Inc.
Classification: Pathogenic for Hereditary spastic paraplegia 15. Last evaluated: 2024-05-27. Review status: criteria provided, single submitter. Criteria: Myriad Autosomal Dominant, Autosomal Recessive and X-Linked Classification Criteria (2023). Collection method: clinical testing. Allele origin: unknown.
Comment: NM_015346.3(ZFYVE26):c.219_220delAA(R74Sfs*29) is expected to be pathogenic in the context of spastic paraplegia type 15. This variant is predicted to lead to an abnormal or absent protein product due to the creation of a premature termination codon in ZFYVE26, a gene where loss-of-function variants are known to be pathogenic. Please note: this variant was assessed in the context of healthy population screening.